The following is an entry in ClinVar:

ClinVar aggregate classification (germline): Uncertain significance. Review status: criteria provided, multiple submitters, no conflicts (2 of 4 stars). 3 submissions from 3 submitters: Uncertain significance (3). Last evaluated 2025-06-24.

Conditions:
Upshaw-Schulman syndrome (TTP). Also called: THROMBOTIC THROMBOCYTOPENIC PURPURA, HEREDITARY; Congenital thrombotic thrombocytopenic purpura. Identifiers: Orphanet 93583, MedGen C1268935, MONDO:0010122, OMIM 274150.

Submissions (3):

Mayo Clinic Laboratories, Mayo Clinic
Classification: Uncertain significance. Last evaluated: 2025-06-24. Review status: criteria provided, single submitter. Criteria: ACMG Guidelines, 2015. Collection method: clinical testing. Allele origin: germline. Observed: 1 variant allele.
Comment: PM2_supporting

Labcorp Genetics (formerly Invitae), Labcorp
Classification: Uncertain significance. Last evaluated: 2024-05-20. Review status: criteria provided, single submitter. Criteria: Invitae Variant Classification Sherloc (09022015). Collection method: clinical testing. Allele origin: germline.
Comment: This sequence change creates a premature translational stop signal (p.Gly1423Glufs*6) in the ADAMTS13 gene. While this is not anticipated to result in nonsense mediated decay, it is expected to disrupt the last 5 amino acid(s) of the ADAMTS13 protein. This variant is present in population databases (no rsID available, gnomAD 0.003%). This variant has not been reported in the literature in individuals affected with ADAMTS13-related conditions. ClinVar contains an entry for this variant (Variation ID: 2172296). Experimental studies and prediction algorithms are not available or were not evaluated, and the functional significance of this variant is currently unknown. In summary, the available evidence is currently insufficient to determine the role of this variant in disease. Therefore, it has been classified as a Variant of Uncertain Significance.

Fulgent Genetics
Classification: Uncertain significance for Upshaw-Schulman syndrome. Last evaluated: 2024-04-25. Review status: criteria provided, single submitter. Criteria: ACMG Guidelines, 2015. Collection method: clinical testing. Allele origin: germline.

NM_139027.6(ADAMTS13):c.4100_4109del (p.Gly1367fs)

Gene: ADAMTS13 (ADAM metallopeptidase with thrombospondin type 1 motif 13; plus strand). Cytogenetic location: 9q34.2.
Variant type: Deletion.
Coding change: c.4100_4109del on transcript NM_139027.6 (MANE Select); coding-DNA positions 4100 to 4109, 10 bases deleted (GAAAGGAAGG; older notation c.4100_4109delGAAAGGAAGG).
Protein change: p.Gly1367fs; shifts the reading frame from glycine 1367.
Molecular consequence: frameshift variant. On other transcripts: non-coding transcript variant (1).
Genome position (GRCh38, 1-based): chr9:133,459,164-133,459,173, GAAAGGAAGG deleted; deleting any 10 consecutive bases within chr9:133,459,158-133,459,173 gives the same sequence; the c. name uses the placement nearest the transcript's 3' end. VCF-style (leftmost placement, unchanged base first): chr9-133459157-TGGAAGGGAAA-T. GRCh37 (hg19) VCF-style: chr9-136324279-TGGAAGGGAAA-T.
Other names: p.Gly1423Glufs*6; c.4268_4277delGAAAGGAAGG, p.Gly1423Glufs (NM_139025.4); c.4268_4277del, p.Gly1423fs (NM_139025.5); c.4007_4016del, p.Gly1336fs (NM_139026.6); c.4268_4277del (NM_139025.4); short protein forms G1367fs, G1336fs, G1423fs.
Identifiers: ClinVar variation 2172296 (VCV002172296.4), dbSNP rs1300368076, ClinGen allele CA860747574.